The following is an entry in ClinVar:

ClinVar aggregate classification (germline): Uncertain significance (1 of 4 stars; one submission).

Submission:

Labcorp Genetics (formerly Invitae), Labcorp
Classification: Uncertain significance. Last evaluated: 2022-09-28. Review status: criteria provided, single submitter. Criteria: Invitae Variant Classification Sherloc (09022015). Collection method: clinical testing. Allele origin: germline.
Comment: This sequence change replaces glycine, which is neutral and non-polar, with aspartic acid, which is acidic and polar, at codon 443 of the COL7A1 protein (p.Gly443Asp). In summary, the available evidence is currently insufficient to determine the role of this variant in disease. Therefore, it has been classified as a Variant of Uncertain Significance. Advanced modeling of protein sequence and biophysical properties (such as structural, functional, and spatial information, amino acid conservation, physicochemical variation, residue mobility, and thermodynamic stability) performed at Invitae indicates that this missense variant is not expected to disrupt COL7A1 protein function. This variant has not been reported in the literature in individuals affected with COL7A1-related conditions. This variant is not present in population databases (gnomAD no frequency).

NM_000094.4(COL7A1):c.1328G>A (p.Gly443Asp)

Gene: COL7A1 (collagen type VII alpha 1 chain; minus strand). Cytogenetic location: 3p21.31.
Variant type: single nucleotide variant.
Coding change: c.1328G>A on transcript NM_000094.4 (MANE Select); coding-DNA position 1328, G replaced by A.
Protein change: p.Gly443Asp; replaces glycine 443 with aspartic acid.
Molecular consequence: missense variant.
Genome position (GRCh38, 1-based): chr3:48,591,927, C>T on the plus strand (G>A on the coding strand, the complement: COL7A1 is on the minus strand). VCF-style: chr3-48591927-C-T. GRCh37 (hg19) VCF-style: chr3-48629360-C-T.
Other names: short protein forms G443D.
Identifiers: ClinVar variation 1898611 (VCV001898611.5), dbSNP rs2531317961, ClinGen allele CA352735763.